The following is an entry in ClinVar:

NM_004415.4(DSP):c.1886A>G (p.Tyr629Cys)

Gene: DSP (desmoplakin; plus strand). Cytogenetic location: 6p24.3.
Variant type: single nucleotide variant.
Coding change: c.1886A>G on transcript NM_004415.4 (MANE Select); coding-DNA position 1886, A replaced by G.
Protein change: p.Tyr629Cys; replaces tyrosine 629 with cysteine.
Molecular consequence: missense variant.
Genome position (GRCh38, 1-based): chr6:7,571,567, A>G. VCF-style: chr6-7571567-A-G. GRCh37 (hg19) VCF-style: chr6-7571800-A-G.
Other names: c.1886A>G, p.Tyr629Cys (NM_001008844.3, NM_001319034.2); short protein forms Y629C.
Identifiers: ClinVar variation 4757031 (VCV004757031.1).
Genomic context (GRCh38, chr6:7,571,567, plus strand): 5'-AGTCTCAGTTCACCGATGCCCAGAAGCATTACCAGACCCTGGTCATTCAGCTCCCTGGCT[A>G]TCCCCAGCACCAGACAGGTCGGCTTGGGACATCTTTCTCTTTGTATCAACCATCCATACC-3'
Protein context (NP_004406.2, residues 619-639): YQTLVIQLPG[Tyr629Cys]PQHQTVTTTE

ClinVar aggregate classification (germline): Uncertain significance (1 of 4 stars; one submission).

Conditions:
Cardiomyopathy (CMYO). Also called: Cardiomyopathies. Identifiers: Orphanet 167848, MedGen C0878544, MONDO:0004994, HP:0001638. Inheritance: Various modes of inheritance.

Submission:

Color Diagnostics, LLC DBA Color Health
Classification: Uncertain significance for Cardiomyopathy. Last evaluated: 2025-06-23. Review status: criteria provided, single submitter. Criteria: ACMG Guidelines, 2015. Collection method: clinical testing. Allele origin: germline.
Comment: This missense variant replaces tyrosine with cysteine at codon 629 of the DSP protein. Computational prediction suggests that this variant may not impact protein structure and function. To our knowledge, functional studies have not been reported for this variant. This variant has not been reported in individuals affected with DSP-related disorders in the literature. This variant has not been identified in the general population by the Genome Aggregation Database (gnomAD). The available evidence is insufficient to determine the role of this variant in disease conclusively. Therefore, this variant is classified as a Variant of Uncertain Significance.